The following is an entry in ClinVar:

ClinVar aggregate classification (germline): Uncertain significance. Review status: criteria provided, multiple submitters, no conflicts (2 of 4 stars). 14 submissions from 13 submitters: Uncertain significance (12). 2 of the submissions do not count toward it. Last evaluated 2026-04-08.

Conditions:
CDH23-related disorder. Also called: CDH23-related condition; CDH23-related disorders.
Autosomal recessive nonsyndromic hearing loss 12. Also called: DEAFNESS, AUTOSOMAL RECESSIVE 12. Identifiers: Orphanet 90636, MedGen C1832394, MONDO:0011067, OMIM 601386.
Usher syndrome type 1D (USH1D). Also called: USHER SYNDROME, TYPE ID. Identifiers: Orphanet 231169, Orphanet 886, MedGen C1832845, MONDO:0010984, OMIM 601067.
Pituitary adenoma 5, multiple types. Identifiers: MedGen C4539685, MONDO:0054601, OMIM 617540.
Retinal dystrophy. Also called: Inherited retinal dystrophy. Identifiers: Orphanet 71862, MedGen C0854723, MeSH D058499, MONDO:0019118, HP:0000556.
Usher syndrome type 1 (USH1). Also called: RETINITIS PIGMENTOSA AND CONGENITAL DEAFNESS. Identifiers: Orphanet 231169, Orphanet 886, MedGen C1568247, MONDO:0010168, OMIM 276900.
Hearing impairment. Also called: Impaired Hearing. Identifiers: MedGen C1384666, MONDO:0005365, HP:0000365.

Allele frequency attached by ClinVar (database versions not stated): ExAC 0.00006; ESP Exome Variant Server 0.00008; gnomAD exomes 0.00008 and 0.00009; TOPMed 0.00008; gnomAD 0.00011 and 0.00013; 1000 Genomes Project 30x 0.00031; 1000 Genomes Project 0.00040.
gnomAD v4.1: 159 of 1,614,042 alleles (0.0099%); highest among the groups gnomAD compares: Middle Eastern, 0.23%; no homozygotes.

Submissions (15):

PreventionGenetics, part of Exact Sciences
Classification: Uncertain significance for CDH23-related condition. Last evaluated: 2026-04-08. Review status: criteria provided, single submitter. Criteria: ACMG Guidelines, 2015. Collection method: clinical testing. Allele origin: germline.
Comment: The CDH23 c.7552G>A variant is predicted to result in the amino acid substitution p.Val2518Met. To our knowledge, this variant has not been reported in the literature. This variant is present in 0.014% of alleles in individuals of European (Non-Finnish) descent in gnomAD. At this time, the clinical significance of this variant is uncertain due to the absence of conclusive functional and genetic evidence.

Women's Health and Genetics/Laboratory Corporation of America, LabCorp
Classification: Uncertain significance. Last evaluated: 2026-03-06. Review status: criteria provided, single submitter. Criteria: LabCorp Variant Classification Summary - May 2015. Collection method: clinical testing. Allele origin: germline.
Comment: Variant summary: CDH23 c.7552G>A (p.Val2518Met) results in a conservative amino acid change in the encoded protein sequence. Algorithms developed to predict the effect of missense changes on protein structure and function are either unavailable or do not agree on the potential impact of this missense change. The variant allele was found at a frequency of 7.6e-05 in 249270 control chromosomes. This frequency is not significantly higher than estimated for disease-causing variants in CDH23, allowing no conclusion about variant significance. c.7552G>A has been observed in the compound heterozygous state in an individual affected with autosomal recessive non-syndromic hearing loss (Sloan-Heggen_2016) and in the homozygous state in an individual affected with Usher syndrome but who also had a co-occurring homozygous pathogenic variant (c.6682delG, p.E2228RfsX6; Brodie_2021). It has also been found in individuals undergoing multigene panel testing for hearing loss, with no second CDH23 variant reported (Almontashiri_2018, Clabout_2022). These data do not allow any conclusion about variant significance. To our knowledge, no experimental evidence demonstrating an impact on protein function has been reported. The following publications have been ascertained in the context of this evaluation (PMID: 29048421, 33111992, 36672845, 26969326). ClinVar contains an entry for this variant (Variation ID: 162943). Based on the evidence outlined above, the variant was classified as uncertain significance.

GeneDx
Classification: Uncertain significance. Last evaluated: 2025-11-04. Review status: criteria provided, single submitter. Criteria: GeneDx Variant Classification Process June 2021. Collection method: clinical testing. Allele origin: germline. Affected: yes.
Comment: In silico analysis suggests that this missense variant does not alter protein structure/function; This variant is associated with the following publications: (PMID: 34426522, 36672845, 29048421, 31275557, 33111992, 26969326)

Blueprint Genetics
Classification: Uncertain significance. Last evaluated: 2024-11-06. Review status: criteria provided, single submitter. Criteria: ACMG Guidelines, 2015. Collection method: clinical testing. Allele origin: germline.

Labcorp Genetics (formerly Invitae), Labcorp
Classification: Uncertain significance. Last evaluated: 2024-10-29. Review status: criteria provided, single submitter. Criteria: Invitae Variant Classification Sherloc (09022015). Collection method: clinical testing. Allele origin: germline.
Comment: This sequence change replaces valine, which is neutral and non-polar, with methionine, which is neutral and non-polar, at codon 2518 of the CDH23 protein (p.Val2518Met). This variant is present in population databases (rs376617494, gnomAD 0.01%). This variant has not been reported in the literature in individuals affected with CDH23-related conditions. ClinVar contains an entry for this variant (Variation ID: 162943). Invitae Evidence Modeling of protein sequence and biophysical properties (such as structural, functional, and spatial information, amino acid conservation, physicochemical variation, residue mobility, and thermodynamic stability) has been performed for this missense variant. However, the output from this modeling did not meet the statistical confidence thresholds required to predict the impact of this variant on CDH23 protein function. In summary, the available evidence is currently insufficient to determine the role of this variant in disease. Therefore, it has been classified as a Variant of Uncertain Significance.

Fulgent Genetics
Classification: Uncertain significance for Usher syndrome type 1D; Autosomal recessive nonsyndromic hearing loss 12; Pituitary adenoma 5, multiple types. Last evaluated: 2021-08-25. Review status: criteria provided, single submitter. Criteria: ACMG Guidelines, 2015. Collection method: clinical testing. Allele origin: unknown.

Department of Otolaryngology – Head & Neck Surgery, Cochlear Implant Center
Classification: Uncertain significance for Hearing impairment. Last evaluated: 2021-04-12. Review status: criteria provided, single submitter. Criteria: ClinGen HL ACMG Specifications v1. Collection method: clinical testing. Allele origin: germline. Affected: yes.
Comment: PM2_Moderate, PP3_Supporting, BP5_Supporting

CeGaT Center for Human Genetics Tuebingen
Classification: Uncertain significance. Last evaluated: 2018-05-01. Review status: criteria provided, single submitter. Criteria: CeGaT Center For Human Genetics Tuebingen Variant Classification Criteria Version 2. Collection method: clinical testing. Allele origin: germline. Affected: yes. Observed: 1 variant allele.

Illumina Laboratory Services, Illumina
Classification: Uncertain significance for Autosomal recessive nonsyndromic hearing loss 12. Last evaluated: 2018-01-13. Review status: criteria provided, single submitter. Criteria: ICSL Variant Classification Criteria 13 December 2019. Collection method: clinical testing. Allele origin: germline.

Illumina Laboratory Services, Illumina
Classification: Uncertain significance for Usher syndrome type 1D. Last evaluated: 2018-01-13. Review status: criteria provided, single submitter. Criteria: ICSL Variant Classification Criteria 13 December 2019. Collection method: clinical testing. Allele origin: germline.

Laboratory for Molecular Medicine, Mass General Brigham Personalized Medicine
Classification: Uncertain significance. Last evaluated: 2014-05-29. Review status: criteria provided, single submitter. Criteria: LMM Criteria. Collection method: clinical testing. Allele origin: germline. Observed: 1 variant allele.
Comment: Variant classified as Uncertain Significance - Favor Benign. The Val2518Met vari ant in CDH23 has not been previously reported in individuals with hearing loss, but has been identified in 0.01% (1/8388) of European American chromosomes by th e NHLBI Exome Sequencing Project (dbSNP rs376 617494). Although this variant has been seen in the general population, its freq uency is not high enough to rule out a pathogenic role. The valine (Val) residue at position 2518 is highly conserved in mammals and evolutionary distant specie s, but several turtle species carry a methionine (Met) at this position, raising the possibility that this change at this position may be tolerated. Additional computational prediction tools do not provide strong support for or against an i mpact to the protein. In summary, while the clinical significance of the Val2518 Met variant is uncertain, the conservation data suggest that is more likely to b e benign.

Breakthrough Genomics
Classification: Uncertain significance. Review status: criteria provided, single submitter. Criteria: ACMG Guidelines, 2015. Collection method: not provided. Allele origin: germline. Inheritance: Autosomal recessive inheritance. Affected: yes.

Institute of Human Genetics, Univ. Regensburg, Univ. Regensburg
Classification: Uncertain significance for Retinal dystrophy. Last evaluated: 2022-01-01. Review status: no assertion criteria provided. Criteria: ACMG Guidelines, 2015. Collection method: clinical testing. Allele origin: germline. Affected: yes. Not counted in ClinVar's aggregate classification.

Natera, Inc.
Classification: Uncertain significance for Usher syndrome type 1. Last evaluated: 2020-09-16. Review status: no assertion criteria provided. Collection method: clinical testing. Allele origin: germline. Not counted in ClinVar's aggregate classification.

Dr. Peter K. Rogan Lab, Western University
No classification provided (evidence only). Condition: Colorectal cancer. Review status: no classification provided. Collection method: in vitro. Allele origin: not applicable. Functional consequence: retained intron. Not counted in ClinVar's aggregate classification.

Literature cited by the submitters: PubMed 26969326 (cited by Women's Health and Genetics/Laboratory Corporation of America, LabCorp); PubMed 33111992 (cited by Women's Health and Genetics/Laboratory Corporation of America, LabCorp); PubMed 29048421 (cited by Women's Health and Genetics/Laboratory Corporation of America, LabCorp); PubMed 36672845 (cited by Women's Health and Genetics/Laboratory Corporation of America, LabCorp).

NM_022124.6(CDH23):c.7552G>A (p.Val2518Met)

Gene: CDH23 (cadherin related 23; plus strand). Cytogenetic location: 10q22.1.
Variant type: single nucleotide variant.
Coding change: c.7552G>A on transcript NM_022124.6 (MANE Select); coding-DNA position 7552, G replaced by A.
Protein change: p.Val2518Met; replaces valine 2518 with methionine.
Molecular consequence: missense variant.
Genome position (GRCh38, 1-based): chr10:71,802,967, G>A. VCF-style: chr10-71802967-G-A. GRCh37 (hg19) VCF-style: chr10-73562724-G-A.
Other names: c.832G>A, p.Val278Met (NM_001171933.1, NM_001171934.1); short protein forms V2518M, V278M.
Identifiers: ClinVar variation 162943 (VCV000162943.66), dbSNP rs376617494, ClinGen allele CA175519.